The following is an entry in ClinVar:

ClinVar aggregate classification (germline): Uncertain significance. Review status: criteria provided, multiple submitters, no conflicts (2 of 4 stars). 3 submissions from 3 submitters: Uncertain significance (3). Last evaluated 2026-03-19.

Conditions:
Hereditary cancer-predisposing syndrome. Also called: Hereditary Cancer Syndrome; Neoplastic Syndromes, Hereditary; Tumor predisposition; Hereditary neoplastic syndrome. Identifiers: Orphanet 140162, MedGen C0027672, MeSH D009386, MONDO:0015356.

Allele frequency attached by ClinVar (database versions not stated): gnomAD exomes below 0.00001 and 0.00001; ExAC 0.00001; gnomAD 0.00001; TOPMed 0.00002.
gnomAD v4.1: 9 of 1,602,084 alleles (0.00056%); highest among the groups gnomAD compares: African/African-American, 0.011%; no homozygotes.

Submissions (3):

Ambry Genetics
Classification: Uncertain significance for Hereditary cancer-predisposing syndrome. Last evaluated: 2026-03-19. Review status: criteria provided, single submitter. Criteria: Ambry Variant Classification Scheme 2023. Collection method: clinical testing. Allele origin: germline.

Labcorp Genetics (formerly Invitae), Labcorp
Classification: Uncertain significance. Last evaluated: 2025-07-31. Review status: criteria provided, single submitter. Criteria: Invitae Variant Classification Sherloc (09022015). Collection method: clinical testing. Allele origin: germline.
Comment: This sequence change replaces glutamic acid, which is acidic and polar, with lysine, which is basic and polar, at codon 714 of the POLE protein (p.Glu714Lys). This variant is present in population databases (rs777857048, gnomAD 0.007%). This variant has not been reported in the literature in individuals affected with POLE-related conditions. ClinVar contains an entry for this variant (Variation ID: 937847). Invitae Evidence Modeling of protein sequence and biophysical properties (such as structural, functional, and spatial information, amino acid conservation, physicochemical variation, residue mobility, and thermodynamic stability) indicates that this missense variant is not expected to disrupt POLE protein function with a negative predictive value of 80%. In summary, the available evidence is currently insufficient to determine the role of this variant in disease. Therefore, it has been classified as a Variant of Uncertain Significance.

GeneDx
Classification: Uncertain significance. Last evaluated: 2024-12-30. Review status: criteria provided, single submitter. Criteria: GeneDx Variant Classification Process June 2021. Collection method: clinical testing. Allele origin: germline. Affected: yes.
Comment: Not observed at significant frequency in large population cohorts (gnomAD); In silico analysis supports that this missense variant has a deleterious effect on protein structure/function; Has not been previously published as pathogenic or benign to our knowledge; This variant is associated with the following publications: (PMID: 20951805)

NM_006231.4(POLE):c.2140G>A (p.Glu714Lys)

Gene: POLE (DNA polymerase epsilon, catalytic subunit; minus strand). Cytogenetic location: 12q24.33.
Variant type: single nucleotide variant.
Coding change: c.2140G>A on transcript NM_006231.4 (MANE Select); coding-DNA position 2140, G replaced by A.
Protein change: p.Glu714Lys; replaces glutamic acid 714 with lysine.
Molecular consequence: missense variant.
Genome position (GRCh38, 1-based): chr12:132,668,389, C>T on the plus strand (G>A on the coding strand, the complement: POLE is on the minus strand). VCF-style: chr12-132668389-C-T. GRCh37 (hg19) VCF-style: chr12-133244975-C-T.
Other names: short protein forms E714K.
Identifiers: ClinVar variation 937847 (VCV000937847.14), dbSNP rs777857048, ClinGen allele CA6893667.